The following is an entry in ClinVar:

ClinVar aggregate classification (germline): Uncertain significance. Review status: criteria provided, multiple submitters, no conflicts (2 of 4 stars). 2 submissions from 2 submitters: Uncertain significance (2). Last evaluated 2025-06-10.

Conditions:
Inborn genetic diseases. Identifiers: MedGen C0950123, MeSH D030342.
Congenital glaucoma. Identifiers: MedGen C0020302, MONDO:0020366.

gnomAD v4.1: 40 of 1,614,082 alleles (0.0025%); highest among the groups gnomAD compares: Non-Finnish European, 0.0034%; no homozygotes.

Submissions (2):

Ambry Genetics
Classification: Uncertain significance for Inborn genetic diseases. Last evaluated: 2025-06-10. Review status: criteria provided, single submitter. Criteria: Ambry Variant Classification Scheme 2023. Collection method: clinical testing. Allele origin: germline.

Labcorp Genetics (formerly Invitae), Labcorp
Classification: Uncertain significance for Congenital glaucoma. Last evaluated: 2024-11-11. Review status: criteria provided, single submitter. Criteria: Invitae Variant Classification Sherloc (09022015). Collection method: clinical testing. Allele origin: germline.
Comment: This sequence change replaces methionine, which is neutral and non-polar, with isoleucine, which is neutral and non-polar, at codon 478 of the CYP1B1 protein (p.Met478Ile). This variant is present in population databases (rs373115785, gnomAD 0.006%). This variant has not been reported in the literature in individuals affected with CYP1B1-related conditions. An algorithm developed to predict the effect of missense changes on protein structure and function outputs the following: PolyPhen-2: "Benign". The isoleucine amino acid residue is found in multiple mammalian species, which suggests that this missense change does not adversely affect protein function. In summary, the available evidence is currently insufficient to determine the role of this variant in disease. Therefore, it has been classified as a Variant of Uncertain Significance.

NM_000104.4(CYP1B1):c.1434G>A (p.Met478Ile)

Gene: CYP1B1 (cytochrome P450 family 1 subfamily B member 1; minus strand). Cytogenetic location: 2p22.2.
Variant type: single nucleotide variant.
Coding change: c.1434G>A on transcript NM_000104.4 (MANE Select); coding-DNA position 1434, G replaced by A.
Protein change: p.Met478Ile; replaces methionine 478 with isoleucine.
Molecular consequence: missense variant.
Genome position (GRCh38, 1-based): chr2:38,070,920, C>T on the plus strand (G>A on the coding strand, the complement: CYP1B1 is on the minus strand). VCF-style: chr2-38070920-C-T. GRCh37 (hg19) VCF-style: chr2-38298063-C-T.
Other names: c.1434G>A (NM_000104.3); short protein forms M478I.
Identifiers: ClinVar variation 3630616 (VCV003630616.2).